The following is an entry in ClinVar:

ClinVar aggregate classification (germline): Likely pathogenic. Review status: criteria provided, single submitter (1 of 4 stars). 2 submissions from 2 submitters: Likely pathogenic (1). 1 of the submissions does not count toward it. Last evaluated 2025-02-17.

Conditions:
BBS4-related disorder. Also called: BBS4-related condition.
Bardet-Biedl syndrome (BBS). Identifiers: Orphanet 110, MedGen C0752166, MONDO:0015229.

Allele frequency attached by ClinVar (database versions not stated): TOPMed below 0.00001.
gnomAD v4.1: 4 of 1,609,840 alleles (0.00025%); highest among the groups gnomAD compares: Non-Finnish European, 0.00034%; no homozygotes.

Submissions (2):

Labcorp Genetics (formerly Invitae), Labcorp
Classification: Likely pathogenic for Bardet-Biedl syndrome. Last evaluated: 2025-02-17. Review status: criteria provided, single submitter. Criteria: Invitae Variant Classification Sherloc (09022015). Collection method: clinical testing. Allele origin: germline.
Comment: This sequence change affects a donor splice site in intron 9 of the BBS4 gene. It is expected to disrupt RNA splicing. Variants that disrupt the donor or acceptor splice site typically lead to a loss of protein function (PMID: 16199547), and loss-of-function variants in BBS4 are known to be pathogenic (PMID: 11381270, 12016587, 20177705, 26355662, 27894351). This variant is present in population databases (no rsID available, gnomAD 0.0009%). This variant has not been reported in the literature in individuals affected with BBS4-related conditions. ClinVar contains an entry for this variant (Variation ID: 2112164). Algorithms developed to predict the effect of sequence changes on RNA splicing suggest that this variant may disrupt the consensus splice site. In summary, the currently available evidence indicates that the variant is pathogenic, but additional data are needed to prove that conclusively. Therefore, this variant has been classified as Likely Pathogenic.

PreventionGenetics, part of Exact Sciences
Classification: Likely pathogenic for BBS4-related condition. Last evaluated: 2024-07-19. Review status: no assertion criteria provided. Collection method: clinical testing. Allele origin: germline. Not counted in ClinVar's aggregate classification.
Comment: The BBS4 c.642+1G>T variant is predicted to disrupt the GT donor site and interfere with normal splicing. To our knowledge this variant has not been reported in the literature in association with a BBS4-related disorder. This variant is reported in 0.00088% of alleles in individuals of European (Non-Finnish) descent in gnomAD. Variants that disrupt the consensus splice donor site in BBS4 are expected to be pathogenic. This variant is interpreted as likely pathogenic.

Literature cited by the submitters: PubMed 16199547 (cited by Labcorp Genetics (formerly Invitae), Labcorp); PubMed 11381270 (cited by Labcorp Genetics (formerly Invitae), Labcorp); PubMed 12016587 (cited by Labcorp Genetics (formerly Invitae), Labcorp); PubMed 20177705 (cited by Labcorp Genetics (formerly Invitae), Labcorp); PubMed 26355662 (cited by Labcorp Genetics (formerly Invitae), Labcorp); PubMed 27894351 (cited by Labcorp Genetics (formerly Invitae), Labcorp).

NM_033028.5(BBS4):c.642+1G>T

Gene: BBS4 (Bardet-Biedl syndrome 4; plus strand). Cytogenetic location: 15q24.1.
Variant type: single nucleotide variant.
Coding change: c.642+1G>T on transcript NM_033028.5 (MANE Select); the canonical splice donor site of the intron after coding-DNA position 642, G replaced by T.
Molecular consequence: splice donor variant.
Genome position (GRCh38, 1-based): chr15:72,727,995, G>T. VCF-style: chr15-72727995-G-T. GRCh37 (hg19) VCF-style: chr15-73020336-G-T.
Other names: c.642+1G>T (NM_001320665.2, NM_033028.4); c.126+1G>T (NM_001252678.2).
Identifiers: ClinVar variation 2112164 (VCV002112164.5), dbSNP rs1180642796, ClinGen allele CA393077557.